The following is an entry in ClinVar:

NM_206933.4(USH2A):c.4370C>T (p.Ser1457Leu)

Gene: USH2A (usherin; minus strand). Cytogenetic location: 1q41.
Variant type: single nucleotide variant.
Coding change: c.4370C>T on transcript NM_206933.4 (MANE Select); coding-DNA position 4370, C replaced by T.
Protein change: p.Ser1457Leu; replaces serine 1457 with leucine.
Molecular consequence: missense variant.
Genome position (GRCh38, 1-based): chr1:216,190,249, G>A on the plus strand (C>T on the coding strand, the complement: USH2A is on the minus strand). VCF-style: chr1-216190249-G-A. GRCh37 (hg19) VCF-style: chr1-216363591-G-A.
Other names: c.4370C>T (NM_206933.2); c.4370C>T, p.Ser1457Leu (NM_007123.6); short protein forms S1457L.
Identifiers: ClinVar variation 875141 (VCV000875141.8), dbSNP rs2034688425, ClinGen allele CA344865137.

ClinVar aggregate classification (germline): Uncertain significance. Review status: criteria provided, multiple submitters, no conflicts (2 of 4 stars). 7 submissions from 5 submitters: Uncertain significance (7). Last evaluated 2024-03-15.

Conditions:
Inborn genetic diseases. Identifiers: MedGen C0950123, MeSH D030342.
Usher syndrome type 2A. Also called: RETINAL DISEASE IN USHER SYNDROME TYPE IIA, MODIFIER OF; USHER SYNDROME, TYPE IIA. Identifiers: Orphanet 231178, Orphanet 886, MedGen C1848634, MONDO:0010169, OMIM 276901.
Retinitis pigmentosa 39 (RP39). Identifiers: Orphanet 791, MedGen C3151138, MONDO:0013436, OMIM 613809.
Retinitis pigmentosa (RP). Identifiers: Orphanet 791, MedGen C0035334, MeSH D012174, MONDO:0019200, OMIM 268000. Inheritance: Autosomal dominant, autosomal recessive and X linked inheritance.

Allele frequency attached by ClinVar (database versions not stated): gnomAD 0.00001; gnomAD exomes 0.00001.
gnomAD v4.1: 16 of 1,612,276 alleles (0.00099%); highest among the groups gnomAD compares: Admixed American, 0.0017%; no homozygotes.

Submissions (7):

Ambry Genetics
Classification: Uncertain significance for Inborn genetic diseases. Last evaluated: 2024-03-15. Review status: criteria provided, single submitter. Criteria: Ambry Variant Classification Scheme 2023. Collection method: clinical testing. Allele origin: germline.

Genome-Nilou Lab
Classification: Uncertain significance for Retinitis pigmentosa 39. Last evaluated: 2023-11-04. Review status: criteria provided, single submitter. Criteria: ACMG Guidelines, 2015. Collection method: clinical testing. Allele origin: germline. Affected: no.

Genome-Nilou Lab
Classification: Uncertain significance for Usher syndrome type 2A. Last evaluated: 2023-11-04. Review status: criteria provided, single submitter. Criteria: ACMG Guidelines, 2015. Collection method: clinical testing. Allele origin: germline. Affected: no.

Blueprint Genetics
Classification: Uncertain significance. Last evaluated: 2022-07-06. Review status: criteria provided, single submitter. Criteria: ACMG Guidelines, 2015. Collection method: clinical testing. Allele origin: germline.

Labcorp Genetics (formerly Invitae), Labcorp
Classification: Uncertain significance. Last evaluated: 2022-03-27. Review status: criteria provided, single submitter. Criteria: Invitae Variant Classification Sherloc (09022015). Collection method: clinical testing. Allele origin: germline.
Comment: This sequence change replaces serine, which is neutral and polar, with leucine, which is neutral and non-polar, at codon 1457 of the USH2A protein (p.Ser1457Leu). This variant is not present in population databases (gnomAD no frequency). This variant has not been reported in the literature in individuals affected with USH2A-related conditions. ClinVar contains an entry for this variant (Variation ID: 875141). Algorithms developed to predict the effect of missense changes on protein structure and function output the following: SIFT: "Tolerated"; PolyPhen-2: "Benign"; Align-GVGD: "Class C0". The leucine amino acid residue is found in multiple mammalian species, which suggests that this missense change does not adversely affect protein function. In summary, the available evidence is currently insufficient to determine the role of this variant in disease. Therefore, it has been classified as a Variant of Uncertain Significance.

Illumina Laboratory Services, Illumina
Classification: Uncertain significance for Usher syndrome type 2A. Last evaluated: 2017-04-27. Review status: criteria provided, single submitter. Criteria: ICSL Variant Classification Criteria 13 December 2019. Collection method: clinical testing. Allele origin: germline.

Illumina Laboratory Services, Illumina
Classification: Uncertain significance for Retinitis pigmentosa. Last evaluated: 2017-04-27. Review status: criteria provided, single submitter. Criteria: ICSL Variant Classification Criteria 13 December 2019. Collection method: clinical testing. Allele origin: germline.